The following is an entry in ClinVar:

Single allele

Genes: MIR4777 (microRNA 4777; plus strand), NMUR1 (neuromedin U receptor 1; minus strand), NUCLEOLIN (nucleolin multifunctional protein; minus strand), SNORA75 (small nucleolar RNA, H/ACA box 75; minus strand), ARMC9 (armadillo repeat containing 9; plus strand) and 38 more. Cytogenetic location: 2q37.1.
Variant type: Duplication.
Identifiers: ClinVar variation 3764748 (VCV003764748.1).

ClinVar aggregate classification (germline): Uncertain significance (0 of 4 stars; one submission).

Conditions:
Hereditary spastic paraplegia. Also called: Familial spastic paraparesis. Identifiers: Orphanet 685, MedGen C0037773, MONDO:0019064. Disease mechanism: loss of function.

Submission:

Solve-RD Consortium
Classification: Uncertain significance for Hereditary spastic paraplegia. Last evaluated: 2024-09-01. Review status: no assertion criteria provided. Collection method: provider interpretation. Allele origin: germline. Affected: yes. Study: Solve-RD Consortium.
Comment: The variant is a 300 kb tandem duplication on Chromosome 2, identified in two affected family members and absent in an unaffected family member. The duplication spans over NCL, among other genes. An upregulation of NCL was confirmed by RNA-seq. Nucleolin is an ubiquitously expressed, major nucleolar protein in growing eukaryotic cells and plays a role in the regulation of ribosomal RNA transcription, ribosome maturation and assembly, and transportation of ribosomal components between the nucleus and cytoplasm. It is predicted to be intolerant to loss/of function variants (pLI 1.00) and is dosage sensitive (LOEUF 0.18). The duplication has a breakpoint within ARMC9, which is a known causative gene in Joubert syndrome 30, a genetically heterogeneous neurodevelopmental ciliopathy (). This CNV was confirmed by the submitting clinician to impact a gene that may correspond with the phenotype of the affected individual.

Literature cited by the submitters: PubMed 9373798.